The following is an entry in ClinVar:

ClinVar aggregate classification (germline): Likely pathogenic (1 of 4 stars; one submission).

Conditions:
Nemaline myopathy 2 (NEM2). Also called: Nemaline myopathy 2, autosomal recessive. Identifiers: MedGen C1850569, MONDO:0009725, OMIM 256030.

Submission:

Myriad Genetics, Inc.
Classification: Likely pathogenic for Nemaline myopathy 2. Last evaluated: 2021-12-16. Review status: criteria provided, single submitter. Criteria: Myriad Women's Health Autosomal Recessive and X-Linked Classification Criteria (2021). Collection method: clinical testing. Allele origin: unknown.
Comment: NM_001271208.1(NEB):c.18769delG(A6257Lfs*39) is expected to be pathogenic in the context of NEB-related nemaline myopathy. This variant is predicted to lead to an abnormal or absent protein product due to the creation of a premature termination codon in NEB, a gene where loss-of-function variants are known to be pathogenic. Please note: this variant was assessed in the context of healthy population screening.

NM_001164508.2(NEB):c.18769del (p.Ala6257fs)

Gene: NEB (nebulin; minus strand). Cytogenetic location: 2q23.3.
Variant type: Deletion.
Coding change: c.18769del on transcript NM_001164508.2 (MANE Select); coding-DNA position 18769, one base deleted (G; older notation c.18769delG).
Protein change: p.Ala6257fs; shifts the reading frame from alanine 6257.
Molecular consequence: frameshift variant.
Genome position (GRCh38, 1-based): chr2:151,562,733, C deleted on the plus strand (G on the coding strand, the reverse complement: NEB is on the minus strand); the first of 2 consecutive C bases (chr2:151,562,733-151,562,734); deleting either gives the same sequence. VCF-style (leftmost placement, unchanged base first): chr2-151562732-GC-G. GRCh37 (hg19) VCF-style: chr2-152419246-GC-G.
Other names: c.18769del, p.Ala6257fs (NM_001164507.2, NM_001271208.2); c.13666del, p.Ala4556fs (NM_004543.5); short protein forms A4556fs, A6257fs.
Identifiers: ClinVar variation 1726346 (VCV001726346.2), dbSNP rs2552190539, ClinGen allele CA2580063949.